The following is an entry in ClinVar:

ClinVar aggregate classification (germline): Likely benign (1 of 4 stars; one submission).

Conditions:
Catecholaminergic polymorphic ventricular tachycardia (CVPT). Also called: Catecholamine-induced polymorphic ventricular tachycardia. Identifiers: Orphanet 3286, MedGen C5574922, MONDO:0017990.

gnomAD v4.1: 3 of 1,608,170 alleles (0.00019%); highest among the groups gnomAD compares: East Asian, 0.0045%; no homozygotes.

Submission:

All of Us Research Program, National Institutes of Health
Classification: Likely benign for Catecholaminergic polymorphic ventricular tachycardia. Last evaluated: 2023-10-02. Review status: criteria provided, single submitter. Criteria: ACMG Guidelines, 2015. Collection method: clinical testing. Allele origin: germline. Inheritance: Autosomal dominant inheritance. Observed: 1 variant allele, 1 heterozygote.
Comment: This study involves interpretation of variants in research participants for the purpose of population health screening. Participant phenotype was not available at the time of variant classification. Additional details can be found in publication PMID: 35346344, PMCID: PMC8962531

NM_001035.3(RYR2):c.7116-10T>C

Gene: RYR2 (ryanodine receptor 2; plus strand). Cytogenetic location: 1q43.
Variant type: single nucleotide variant.
Coding change: c.7116-10T>C on transcript NM_001035.3 (MANE Select); 10 bases into the intron before coding-DNA position 7116, T replaced by C.
Molecular consequence: intron variant.
Genome position (GRCh38, 1-based): chr1:237,640,887, T>C. VCF-style: chr1-237640887-T-C. GRCh37 (hg19) VCF-style: chr1-237804187-T-C.
Identifiers: ClinVar variation 3073577 (VCV003073577.1), dbSNP rs1459823777, ClinGen allele CA529545588.